The following is an entry in ClinVar:

ClinVar aggregate classification (germline): Likely benign. Review status: criteria provided, multiple submitters, no conflicts (2 of 4 stars). 3 submissions from 3 submitters: Likely benign (3). Last evaluated 2025-08-11.

Conditions:
RDH5-related disorder. Also called: RDH5-related condition.

Allele frequency attached by ClinVar (database versions not stated): gnomAD exomes 0.00004 and 0.00006; ExAC 0.00005; ESP Exome Variant Server 0.00023; gnomAD 0.00023 and 0.00024; TOPMed 0.00023; 1000 Genomes Project 30x 0.00031; 1000 Genomes Project 0.00040.
gnomAD v4.1: 93 of 1,608,582 alleles (0.0058%); highest among the groups gnomAD compares: African/African-American, 0.073%; no homozygotes.

Submissions (3):

Labcorp Genetics (formerly Invitae), Labcorp
Classification: Likely benign. Last evaluated: 2025-08-11. Review status: criteria provided, single submitter. Criteria: Invitae Variant Classification Sherloc (09022015). Collection method: clinical testing. Allele origin: germline.

PreventionGenetics, part of Exact Sciences
Classification: Likely benign for RDH5-related condition. Last evaluated: 2024-11-08. Review status: criteria provided, single submitter. Criteria: ACMG Guidelines, 2015. Collection method: clinical testing. Allele origin: germline.
Comment: This variant is classified as likely benign based on ACMG/AMP sequence variant interpretation guidelines (Richards et al. 2015 PMID: 25741868, with internal and published modifications).

Blueprint Genetics
Classification: Likely benign. Last evaluated: 2024-10-18. Review status: criteria provided, single submitter. Criteria: ACMG Guidelines, 2015. Collection method: clinical testing. Allele origin: germline.

NM_002905.5(RDH5):c.297C>T (p.His99=)

Genes: BLOC1S1-RDH5 (BLOC1S1-RDH5 readthrough; plus strand), RDH5 (retinol dehydrogenase 5; plus strand). Cytogenetic location: 12q13.2.
Variant type: single nucleotide variant.
Coding change: c.297C>T on transcript NM_002905.5 (MANE Select); coding-DNA position 297, C replaced by T.
Protein change: p.His99=; no amino-acid change (histidine 99 retained).
Molecular consequence: synonymous variant.
Genome position (GRCh38, 1-based): chr12:55,721,481, C>T. VCF-style: chr12-55721481-C-T. GRCh37 (hg19) VCF-style: chr12-56115265-C-T.
Other names: c.297C>T (NM_002905.3); c.297C>T, p.His99= (NM_001199771.3).
Identifiers: ClinVar variation 1141297 (VCV001141297.11), dbSNP rs142930741, ClinGen allele CA6616787.